The following is an entry in ClinVar:

NM_006648.4(WNK2):c.2517C>G (p.Ile839Met)

Gene: WNK2 (WNK lysine deficient protein kinase 2; plus strand). Cytogenetic location: 9q22.31.
Variant type: single nucleotide variant.
Coding change: c.2517C>G on transcript NM_006648.4 (MANE Select); coding-DNA position 2517, C replaced by G.
Protein change: p.Ile839Met; replaces isoleucine 839 with methionine.
Molecular consequence: missense variant.
Genome position (GRCh38, 1-based): chr9:93,259,065, C>G. VCF-style: chr9-93259065-C-G. GRCh37 (hg19) VCF-style: chr9-96021347-C-G.
Other names: c.2517C>G, p.Ile839Met (NM_001282394.3); short protein forms I839M.
Identifiers: ClinVar variation 4844870 (VCV004844870.1).

ClinVar aggregate classification (germline): Uncertain significance (1 of 4 stars; one submission).

Submission:

Ambry Genetics
Classification: Uncertain significance. Last evaluated: 2026-01-20. Review status: criteria provided, single submitter. Criteria: Ambry Variant Classification Scheme 2023. Collection method: clinical testing. Allele origin: germline.
Comment: The p.I839M variant (also known as c.2517C>G), located in coding exon 11 of the WNK2 gene, results from a C to G substitution at nucleotide position 2517. The isoleucine at codon 839 is replaced by methionine, an amino acid with highly similar properties. This amino acid position is conserved. In addition, this alteration is predicted to be tolerated by in silico analysis. Based on the available evidence, the clinical significance of this variant remains unclear.